The following is an entry in ClinVar:

ClinVar aggregate classification (germline): Benign (1 of 4 stars; one submission).

Allele frequency attached by ClinVar (database versions not stated): 1000 Genomes Project 0.03534; TOPMed 0.03682; 1000 Genomes Project 30x 0.03701; gnomAD 0.03264 and 0.03533; gnomAD exomes 0.00539.
gnomAD v4.1: 5,549 of 265,134 alleles (2.1%); highest among the groups gnomAD compares: African/African-American, 11%; 296 homozygotes.

Submission:

GeneDx
Classification: Benign. Last evaluated: 2018-06-19. Review status: criteria provided, single submitter. Criteria: GeneDx Variant Classification (06012015). Collection method: clinical testing. Allele origin: germline. Affected: yes.
Comment: This variant is considered likely benign or benign based on one or more of the following criteria: it is a conservative change, it occurs at a poorly conserved position in the protein, it is predicted to be benign by multiple in silico algorithms, and/or has population frequency not consistent with disease.

NM_001127222.2(CACNA1A):c.1198+326T>A

Gene: CACNA1A (calcium voltage-gated channel subunit alpha1 A; minus strand). Cytogenetic location: 19p13.13.
Variant type: single nucleotide variant.
Coding change: c.1198+326T>A on transcript NM_001127222.2 (MANE Select); 326 bases into the intron after coding-DNA position 1198, T replaced by A.
Molecular consequence: intron variant.
Genome position (GRCh38, 1-based): chr19:13,334,052, A>T on the plus strand (T>A on the coding strand, the complement: CACNA1A is on the minus strand). VCF-style: chr19-13334052-A-T. GRCh37 (hg19) VCF-style: chr19-13444866-A-T.
Other names: c.1198+326T>A (NM_001127221.2, NM_001174080.2, NM_000068.4 and 1 more transcripts).
Identifiers: ClinVar variation 668781 (VCV000668781.1), dbSNP rs75074873, ClinGen allele CA305539474.